The following is an entry in ClinVar:

NM_181486.4(TBX5):c.628G>C (p.Ala210Pro)

Gene: TBX5 (T-box transcription factor 5; minus strand). Cytogenetic location: 12q24.21.
Variant type: single nucleotide variant.
Coding change: c.628G>C on transcript NM_181486.4 (MANE Select); coding-DNA position 628, G replaced by C.
Protein change: p.Ala210Pro; replaces alanine 210 with proline.
Molecular consequence: missense variant.
Genome position (GRCh38, 1-based): chr12:114,394,776, C>G on the plus strand (G>C on the coding strand, the complement: TBX5 is on the minus strand). VCF-style: chr12-114394776-C-G. GRCh37 (hg19) VCF-style: chr12-114832581-C-G.
Other names: c.478G>C, p.Ala160Pro (NM_080717.4); c.628G>C, p.Ala210Pro (NM_000192.3); short protein forms A160P, A210P.
Identifiers: ClinVar variation 3366036 (VCV003366036.4).
Genomic context (GRCh38, chr12:114,394,776, plus strand): 5'-ACTGGTTCCTGGGCTTCAGGCTTACCTTGTGGTTCTGGTAGGAAGTCACTGCTATAAACG[C>G]AGTCTCAGGAAAGACGTGAGTGCAGAACGCTGTATTTTTTGAGCCAAATCCATTATTTTC-3'
Protein context (NP_852259.1, residues 200-220): AFCTHVFPET[Ala210Pro]FIAVTSYQNH

ClinVar aggregate classification (germline): Uncertain significance. Review status: criteria provided, multiple submitters, no conflicts (2 of 4 stars). 3 submissions from 3 submitters: Uncertain significance (3). Last evaluated 2025-01-17.

Conditions:
Cardiovascular phenotype. Identifiers: MedGen CN230736.
Aortic valve disease 2 (AOVD2). Identifiers: MedGen C3542024, MONDO:0013902, OMIM 614823.

gnomAD v4.1: 6 of 1,614,064 alleles (0.00037%); highest among the groups gnomAD compares: African/African-American, 0.0067%; no homozygotes.

Submissions (3):

Ambry Genetics
Classification: Uncertain significance for Cardiovascular phenotype. Last evaluated: 2025-01-17. Review status: criteria provided, single submitter. Criteria: Ambry Variant Classification Scheme 2023. Collection method: clinical testing. Allele origin: germline.

Labcorp Genetics (formerly Invitae), Labcorp
Classification: Uncertain significance for Aortic valve disease 2. Last evaluated: 2024-09-29. Review status: criteria provided, single submitter. Criteria: Invitae Variant Classification Sherloc (09022015). Collection method: clinical testing. Allele origin: germline.
Comment: This sequence change replaces alanine, which is neutral and non-polar, with proline, which is neutral and non-polar, at codon 210 of the TBX5 protein (p.Ala210Pro). This variant is present in population databases (no rsID available, gnomAD 0.01%). This variant has not been reported in the literature in individuals affected with TBX5-related conditions. Invitae Evidence Modeling of protein sequence and biophysical properties (such as structural, functional, and spatial information, amino acid conservation, physicochemical variation, residue mobility, and thermodynamic stability) indicates that this missense variant is not expected to disrupt TBX5 protein function with a negative predictive value of 80%. In summary, the available evidence is currently insufficient to determine the role of this variant in disease. Therefore, it has been classified as a Variant of Uncertain Significance.

GeneDx
Classification: Uncertain significance. Last evaluated: 2023-10-16. Review status: criteria provided, single submitter. Criteria: GeneDx Variant Classification Process June 2021. Collection method: clinical testing. Allele origin: germline. Affected: yes.
Comment: In silico analysis supports that this missense variant does not alter protein structure/function; Has not been previously published as pathogenic or benign to our knowledge